The following is an entry in ClinVar:

NM_002755.4(MAP2K1):c.895+19C>A

Gene: MAP2K1 (mitogen-activated protein kinase kinase 1; plus strand). Cytogenetic location: 15q22.31.
Variant type: single nucleotide variant.
Coding change: c.895+19C>A on transcript NM_002755.4 (MANE Select); 19 bases into the intron after coding-DNA position 895, C replaced by A.
Molecular consequence: intron variant.
Genome position (GRCh38, 1-based): chr15:66,485,210, C>A. VCF-style: chr15-66485210-C-A. GRCh37 (hg19) VCF-style: chr15-66777548-C-A.
Identifiers: ClinVar variation 1991293 (VCV001991293.5), dbSNP rs765878864, ClinGen allele CA7624029.
Genomic context (GRCh38, chr15:66,485,210, plus strand): 5'-AGACCCCACCCAGGCCAAGGACCCCCGGGAGGCCCCTTAGCTGTGAGTAGCCTGGTGTGT[C>A]CCCATCTTGGACTGTTGGAGGGGAGGGTCCCTTACTTTCAGGGGTTTCTGGAGGGCTGAT-3'

ClinVar aggregate classification (germline): Conflicting classifications of pathogenicity. Review status: criteria provided, conflicting classifications (1 of 4 stars). 2 submissions from 2 submitters: Uncertain significance (1); Benign (1). Last evaluated 2025-11-12.

Conditions:
RASopathy. Also called: rasopathies; Noonan spectrum disorder. Identifiers: Orphanet 536391, MedGen C5555857, MONDO:0021060.

Allele frequency attached by ClinVar (database versions not stated): TOPMed below 0.00001; gnomAD 0.00001; gnomAD exomes 0.00003; ExAC 0.00006.
gnomAD v4.1: 42 of 1,609,948 alleles (0.0026%); highest among the groups gnomAD compares: Non-Finnish European, 0.0034%; no homozygotes.

Submissions (2):

Labcorp Genetics (formerly Invitae), Labcorp
Classification: Uncertain significance for RASopathy. Last evaluated: 2025-11-12. Review status: criteria provided, single submitter. Criteria: Invitae Variant Classification Sherloc (09022015). Collection method: clinical testing. Allele origin: germline.
Comment: This sequence change falls in intron 7 of the MAP2K1 gene. It does not directly change the encoded amino acid sequence of the MAP2K1 protein. This variant is present in population databases (rs765878864, gnomAD 0.007%). This variant has not been reported in the literature in individuals affected with MAP2K1-related conditions. ClinVar contains an entry for this variant (Variation ID: 1991293). Algorithms developed to predict the effect of sequence changes on RNA splicing suggest that this variant may create or strengthen a splice site. In summary, the available evidence is currently insufficient to determine the role of this variant in disease. Therefore, it has been classified as a Variant of Uncertain Significance.

Blueprint Genetics
Classification: Benign. Last evaluated: 2023-01-17. Review status: criteria provided, single submitter. Criteria: ACMG Guidelines, 2015. Collection method: clinical testing. Allele origin: germline.